The following is an entry in ClinVar:

NM_024408.4(NOTCH2):c.3779G>T (p.Arg1260Leu)

Gene: NOTCH2 (notch receptor 2; minus strand). Cytogenetic location: 1p12.
Variant type: single nucleotide variant.
Coding change: c.3779G>T on transcript NM_024408.4 (MANE Select); coding-DNA position 3779, G replaced by T.
Protein change: p.Arg1260Leu; replaces arginine 1260 with leucine.
Molecular consequence: missense variant.
Genome position (GRCh38, 1-based): chr1:119,929,089, C>A on the plus strand (G>T on the coding strand, the complement: NOTCH2 is on the minus strand). VCF-style: chr1-119929089-C-A. GRCh37 (hg19) VCF-style: chr1-120471712-C-A.
Other names: short protein forms R1260L.
Identifiers: ClinVar variation 3684374 (VCV003684374.2).

ClinVar aggregate classification (germline): Uncertain significance (1 of 4 stars; one submission).

Conditions:
Hajdu-Cheney syndrome (HJCYS). Also called: Acroosteolysis dominant type; SERPENTINE FIBULA-POLYCYSTIC KIDNEY SYNDROME; ACROOSTEOLYSIS WITH OSTEOPOROSIS AND CHANGES IN SKULL AND MANDIBLE. Identifiers: Orphanet 955, MedGen C0917715, MONDO:0007057, OMIM 102500.

Submission:

Labcorp Genetics (formerly Invitae), Labcorp
Classification: Uncertain significance for Hajdu-Cheney syndrome. Last evaluated: 2025-07-07. Review status: criteria provided, single submitter. Criteria: Invitae Variant Classification Sherloc (09022015). Collection method: clinical testing. Allele origin: germline.
Comment: This sequence change replaces arginine, which is basic and polar, with leucine, which is neutral and non-polar, at codon 1260 of the NOTCH2 protein (p.Arg1260Leu). This variant is not present in population databases (gnomAD no frequency). This variant has not been reported in the literature in individuals affected with NOTCH2-related conditions. ClinVar contains an entry for this variant (Variation ID: 3684374). Invitae Evidence Modeling of protein sequence and biophysical properties (such as structural, functional, and spatial information, amino acid conservation, physicochemical variation, residue mobility, and thermodynamic stability) has been performed for this missense variant. However, the output from this modeling did not meet the statistical confidence thresholds required to predict the impact of this variant on NOTCH2 protein function. In summary, the available evidence is currently insufficient to determine the role of this variant in disease. Therefore, it has been classified as a Variant of Uncertain Significance.